The following is an entry in ClinVar:

ClinVar aggregate classification (germline): Uncertain significance (1 of 4 stars; one submission).

Conditions:
Cardiovascular phenotype. Identifiers: MedGen CN230736.

Allele frequency attached by ClinVar (database versions not stated): gnomAD exomes below 0.00001.
gnomAD v4.1: 1 of 1,614,190 alleles (0.000062%); highest among the groups gnomAD compares: Non-Finnish European, 0.000085%; no homozygotes.

Submission:

Ambry Genetics
Classification: Uncertain significance for Cardiovascular phenotype. Last evaluated: 2019-11-20. Review status: criteria provided, single submitter. Criteria: Ambry Variant Classification Scheme 2023. Collection method: clinical testing. Allele origin: germline.
Comment: The p.V290M variant (also known as c.868G>A), located in coding exon 3 of the ALPK3 gene, results from a G to A substitution at nucleotide position 868. The valine at codon 290 is replaced by methionine, an amino acid with highly similar properties. This amino acid position is highly conserved in available vertebrate species. In addition, the in silico prediction for this alteration is inconclusive. Since supporting evidence is limited at this time, the clinical significance of this alteration remains unclear.

NM_020778.5(ALPK3):c.262G>A (p.Val88Met)

Gene: ALPK3 (alpha kinase 3; plus strand). Cytogenetic location: 15q25.3.
Variant type: single nucleotide variant.
Coding change: c.262G>A on transcript NM_020778.5 (MANE Select); coding-DNA position 262, G replaced by A.
Protein change: p.Val88Met; replaces valine 88 with methionine.
Molecular consequence: missense variant.
Genome position (GRCh38, 1-based): chr15:84,827,563, G>A. VCF-style: chr15-84827563-G-A. GRCh37 (hg19) VCF-style: chr15-85370794-G-A.
Other names: short protein forms V88M.
Identifiers: ClinVar variation 1764316 (VCV001764316.2), dbSNP rs2505697264, ClinGen allele CA393370973.